The following is an entry in ClinVar:

ClinVar aggregate classification (germline): Uncertain significance (1 of 4 stars; one submission).

Conditions:
Cardiovascular phenotype. Identifiers: MedGen CN230736.

Submission:

Ambry Genetics
Classification: Uncertain significance for Cardiovascular phenotype. Last evaluated: 2024-03-01. Review status: criteria provided, single submitter. Criteria: Ambry Variant Classification Scheme 2023. Collection method: clinical testing. Allele origin: germline.
Comment: The p.G979D variant (also known as c.2936G>A), located in coding exon 16 of the SCN10A gene, results from a G to A substitution at nucleotide position 2936. The glycine at codon 979 is replaced by aspartic acid, an amino acid with similar properties. This amino acid position is conserved. In addition, this alteration is predicted to be tolerated by in silico analysis. Based on the available evidence, the clinical significance of this alteration remains unclear.

NM_006514.4(SCN10A):c.2936G>A (p.Gly979Asp)

Genes: SCN10A (sodium voltage-gated channel alpha subunit 10; minus strand), LOC110121288 (VISTA enhancer hs2268; plus strand). Cytogenetic location: 3p22.2.
Variant type: single nucleotide variant.
Coding change: c.2936G>A on transcript NM_006514.4 (MANE Select); coding-DNA position 2936, G replaced by A.
Protein change: p.Gly979Asp; replaces glycine 979 with aspartic acid.
Molecular consequence: missense variant.
Genome position (GRCh38, 1-based): chr3:38,726,757, C>T on the plus strand (G>A on the coding strand, the complement: SCN10A is on the minus strand). VCF-style: chr3-38726757-C-T. GRCh37 (hg19) VCF-style: chr3-38768248-C-T.
Other names: c.2936G>A, p.Gly979Asp (NM_001293306.2); c.2642G>A, p.Gly881Asp (NM_001293307.2); short protein forms G881D, G979D.
Identifiers: ClinVar variation 3225640 (VCV003225640.1), dbSNP rs559166014, ClinGen allele CA352157702.
Genomic context (GRCh38, chr3:38,726,757, plus strand): 5'-ATGGGCACAGAGACCCACACAGTCGGATTAGCGATGAAGTCACTGTGCTCATCCCTGGGG[C>T]CTCTGGGAGCTTGGAGCCCTCCAGAGCTCCCCCTGGCAGTGTTGGCAGCAATGTGGTTCT-3'
Protein context (NP_006505.4, residues 969-989): GSSGGLQAPR[Gly979Asp]PRDEHSDFIA